The following is an entry in ClinVar:

NM_000170.3(GLDC):c.1316dup (p.Ile440fs)

Gene: GLDC (glycine decarboxylase; minus strand). Cytogenetic location: 9p24.1.
Variant type: Duplication.
Coding change: c.1316dup on transcript NM_000170.3 (MANE Select); coding-DNA position 1316, one base duplicated (A; older notation c.1316dupA).
Protein change: p.Ile440fs; shifts the reading frame from isoleucine 440.
Molecular consequence: frameshift variant.
Genome position (GRCh38, 1-based): chr9:6,592,936, T duplicated on the plus strand (A on the coding strand, the reverse complement: GLDC is on the minus strand); the first of 2 consecutive T bases (chr9:6,592,936-6,592,937); duplicating either gives the same sequence. VCF-style (leftmost placement, unchanged base first): chr9-6592935-C-CT. GRCh37 (hg19) VCF-style: chr9-6592935-C-CT.
Other names: short protein forms I440fs.
Identifiers: ClinVar variation 3729146 (VCV003729146.2).
Genomic context (GRCh38, chr9:6,592,935, plus strand): 5'-ATTGATCTGCCGCTGAGCGGCCCTGCCCAAGACCTCCTTCACTGAGCAGCCACACTGAAT[C>CT]TTCAAGGTATCAAAGAACAGGTCATGCTGGAGTTGATGCCCTGCTCGCTTGAGACCTACA-3'

ClinVar aggregate classification (germline): Pathogenic (1 of 4 stars; one submission).

Conditions:
Glycine encephalopathy. Also called: Nonketotic hyperglycinemia; Non-ketotic hyperglycinemia. Identifiers: Orphanet 407, MedGen C0751748, MONDO:0011612, HP:0008288.

Submission:

Labcorp Genetics (formerly Invitae), Labcorp
Classification: Pathogenic for Glycine encephalopathy. Last evaluated: 2025-01-27. Review status: criteria provided, single submitter. Criteria: Invitae Variant Classification Sherloc (09022015). Collection method: clinical testing. Allele origin: germline.
Comment: This sequence change creates a premature translational stop signal (p.Ile440Aspfs*25) in the GLDC gene. It is expected to result in an absent or disrupted protein product. Loss-of-function variants in GLDC are known to be pathogenic (PMID: 16601880). This variant is not present in population databases (gnomAD no frequency). This variant has not been reported in the literature in individuals affected with GLDC-related conditions. Algorithms developed to predict the effect of sequence changes on RNA splicing suggest that this variant may disrupt the consensus splice site. For these reasons, this variant has been classified as Pathogenic.

Literature cited by the submitters: PubMed 16601880.